The following is an entry in ClinVar:

NM_006265.3(RAD21):c.1218A>G (p.Lys406=)

Gene: RAD21 (RAD21 cohesin complex component; minus strand). Cytogenetic location: 8q24.11.
Variant type: single nucleotide variant.
Coding change: c.1218A>G on transcript NM_006265.3 (MANE Select); coding-DNA position 1218, A replaced by G.
Protein change: p.Lys406=; no amino-acid change (lysine 406 retained).
Molecular consequence: synonymous variant.
Genome position (GRCh38, 1-based): chr8:116,852,652, T>C on the plus strand (A>G on the coding strand, the complement: RAD21 is on the minus strand). VCF-style: chr8-116852652-T-C. GRCh37 (hg19) VCF-style: chr8-117864891-T-C.
Identifiers: ClinVar variation 2658771 (VCV002658771.25), dbSNP rs770607283, ClinGen allele CA4852876.

ClinVar aggregate classification (germline): Likely benign. Review status: criteria provided, multiple submitters, no conflicts (2 of 4 stars). 2 submissions from 2 submitters: Likely benign (2). Last evaluated 2025-07-23.

Conditions:
RAD21-related disorder. Also called: RAD21-related condition; RAD21- Related disorders.

Allele frequency attached by ClinVar (database versions not stated): gnomAD 0.00002; gnomAD exomes 0.00002; ExAC 0.00003; TOPMed 0.00003.
gnomAD v4.1: 29 of 1,613,056 alleles (0.0018%); highest among the groups gnomAD compares: Middle Eastern, 0.15%; no homozygotes.

Submissions (2):

PreventionGenetics, part of Exact Sciences
Classification: Likely benign for RAD21-related condition. Last evaluated: 2025-07-23. Review status: criteria provided, single submitter. Criteria: ACMG Guidelines, 2015. Collection method: clinical testing. Allele origin: germline.
Comment: This variant is classified as likely benign based on ACMG/AMP sequence variant interpretation guidelines (Richards et al. 2015 PMID: 25741868, with internal and published modifications).

CeGaT Center for Human Genetics Tuebingen
Classification: Likely benign. Last evaluated: 2024-06-01. Review status: criteria provided, single submitter. Criteria: CeGaT Center For Human Genetics Tuebingen Variant Classification Criteria Version 2. Collection method: clinical testing. Allele origin: germline. Affected: yes. Observed: 2 variant alleles.
Comment: RAD21: BP4